The following is an entry in ClinVar:

NM_004840.3(ARHGEF6):c.1405C>T (p.Arg469Trp)

Gene: ARHGEF6 (Rac/Cdc42 guanine nucleotide exchange factor 6; minus strand). Cytogenetic location: Xq26.3.
Variant type: single nucleotide variant.
Coding change: c.1405C>T on transcript NM_004840.3 (MANE Select); coding-DNA position 1405, C replaced by T.
Protein change: p.Arg469Trp; replaces arginine 469 with tryptophan.
Molecular consequence: missense variant.
Genome position (GRCh38, 1-based): chrX:136,682,832, G>A on the plus strand (C>T on the coding strand, the complement: ARHGEF6 is on the minus strand). VCF-style: chrX-136682832-G-A. GRCh37 (hg19) VCF-style: chrX-135764991-G-A.
Other names: c.943C>T, p.Arg315Trp (NM_001306177.2); c.1405C>T, p.Arg469Trp (NM_001440993.1, NM_001440995.1, NM_001440996.1); c.1486C>T, p.Arg496Trp (NM_001440994.1); c.1234C>T, p.Arg412Trp (NM_001440997.1, NM_001440998.1); short protein forms R412W, R496W, R315W, R469W.
Identifiers: ClinVar variation 4978668 (VCV004978668.1).
Genomic context (GRCh38, chrX:136,682,832, plus strand): 5'-CACTCATCCGAGGACTTGCAGATAACATTATCAGGACATTTGAAAATAACATAAGGTACC[G>A]CTCCTCTTTTTCCTGAGAGGGAATGAAAATAATACATGAAGAACAGAATTGGACACTTTA-3'
Protein context (NP_004831.1, residues 459-479): QYGACEEKEE[Arg469Trp]YLMLFSNVLI

ClinVar aggregate classification (germline): Uncertain significance (1 of 4 stars; one submission).

Conditions:
ARHGEF6-related disorder. Also called: ARHGEF6-related condition.

gnomAD v4.1: 25 of 1,202,101 alleles (0.0021%); highest among the groups gnomAD compares: South Asian, 0.0035%; no homozygotes.

Submission:

PreventionGenetics, part of Exact Sciences
Classification: Uncertain significance for ARHGEF6-related condition. Last evaluated: 2025-04-21. Review status: criteria provided, single submitter. Criteria: ACMG Guidelines, 2015. Collection method: clinical testing. Allele origin: germline.
Comment: The ARHGEF6 c.1405C>T variant is predicted to result in the amino acid substitution p.Arg469Trp. To our knowledge, this variant has not been reported in the literature. This variant is reported in 0.015% of alleles in individuals of African descent in gnomAD, including one hemizygote. At this time, the clinical significance of this variant is uncertain due to the absence of conclusive functional and genetic evidence.